The following is an entry in ClinVar:

ClinVar aggregate classification (germline): Pathogenic (1 of 4 stars; one submission).

Conditions:
Abetalipoproteinaemia (ABL). Also called: MTP DEFICIENCY; Abetalipoproteinemia; Abetalipoproteinemia neuropathy; Apolipoprotein B deficiency; Congenital betalipoprotein deficiency syndrome. Identifiers: Orphanet 14, MedGen C0000744, MONDO:0008692, OMIM 200100, HP:0008181.

Submission:

Myriad Genetics, Inc.
Classification: Pathogenic for Abetalipoproteinaemia. Last evaluated: 2024-05-14. Review status: criteria provided, single submitter. Criteria: Myriad Autosomal Dominant, Autosomal Recessive and X-Linked Classification Criteria (2023). Collection method: clinical testing. Allele origin: unknown.
Comment: NM_000253.2(MTTP):c.138_139ins11(G47Yfs*37) is expected to be pathogenic in the context of abetalipoproteinemia. This variant is predicted to lead to an abnormal or absent protein product due to the creation of a premature termination codon in MTTP, a gene where loss-of-function variants are known to be pathogenic. Please note: this variant was assessed in the context of healthy population screening.

NM_001386140.1(MTTP):c.138_139insTATAAGAGACA (p.Gly47fs)

Gene: MTTP (microsomal triglyceride transfer protein; plus strand). Cytogenetic location: 4q23.
Variant type: Insertion.
Coding change: c.138_139insTATAAGAGACA on transcript NM_001386140.1 (MANE Select); coding-DNA positions 138 to 139, TATAAGAGACA inserted.
Protein change: p.Gly47fs; shifts the reading frame from glycine 47.
Molecular consequence: frameshift variant. On other transcripts: 5 prime UTR variant (1).
Genome position: GRCh38 VCF-style: chr4-99581981-G-GTATAAGAGACA. GRCh37 (hg19) VCF-style: chr4-100503138-G-GTATAAGAGACA.
Other names: c.138_139insTATAAGAGACA, p.Gly47fs (NM_000253.4); c.-112_-111insTATAAGAGACA (NM_001300785.2); short protein forms G47fs.
Identifiers: ClinVar variation 5010903 (VCV005010903.1).
Genomic context (GRCh38, chr4:99,581,981, plus strand): 5'-CTCATTAAATAATGACCGGCTGTACAAGCTCACGTACTCCACTGAAGTTCTTCTTGATCG[G>GTATAAGAGACA]GGCAAAGGAAAACTGCAAGACAGCGTGGGCTACCGCATTTCCTCCAACGTGGATGTGGCC-3'